The following is an entry in ClinVar:

ClinVar aggregate classification (germline): Uncertain significance (1 of 4 stars; one submission).

Conditions:
Cryopyrin associated periodic syndrome (CAPS). Identifiers: Orphanet 208650, MedGen C2316212, MONDO:0016168.

Submission:

Labcorp Genetics (formerly Invitae), Labcorp
Classification: Uncertain significance for Cryopyrin associated periodic syndrome. Last evaluated: 2021-12-07. Review status: criteria provided, single submitter. Criteria: Invitae Variant Classification Sherloc (09022015). Collection method: clinical testing. Allele origin: germline.
Comment: This sequence change replaces arginine, which is basic and polar, with lysine, which is basic and polar, at codon 89 of the NLRP3 protein (p.Arg89Lys). This variant is not present in population databases (gnomAD no frequency). This variant has not been reported in the literature in individuals affected with NLRP3-related conditions. Algorithms developed to predict the effect of missense changes on protein structure and function output the following: SIFT: "Tolerated"; PolyPhen-2: "Benign"; Align-GVGD: "Class C0". The lysine amino acid residue is found in multiple mammalian species, which suggests that this missense change does not adversely affect protein function. In summary, the available evidence is currently insufficient to determine the role of this variant in disease. Therefore, it has been classified as a Variant of Uncertain Significance.

NM_001243133.2(NLRP3):c.260G>A (p.Arg87Lys)

Gene: NLRP3 (NLR family pyrin domain containing 3; plus strand). Cytogenetic location: 1q44.
Variant type: single nucleotide variant.
Coding change: c.260G>A on transcript NM_001243133.2 (MANE Select); coding-DNA position 260, G replaced by A.
Protein change: p.Arg87Lys; replaces arginine 87 with lysine.
Molecular consequence: missense variant.
Genome position (GRCh38, 1-based): chr1:247,419,060, G>A. VCF-style: chr1-247419060-G-A. GRCh37 (hg19) VCF-style: chr1-247582362-G-A.
Other names: c.260G>A, p.Arg87Lys (NM_001079821.3, NM_001127461.3, NM_001127462.3 and 1 more transcripts); c.266G>A, p.Arg89Lys (NM_004895.5); short protein forms R87K, R89K.
Identifiers: ClinVar variation 2035973 (VCV002035973.4), dbSNP rs2527206062, ClinGen allele CA345552929.